The following is an entry in ClinVar:

ClinVar aggregate classification (germline): Uncertain significance. Review status: criteria provided, multiple submitters, no conflicts (2 of 4 stars). 2 submissions from 2 submitters: Uncertain significance (2). Last evaluated 2022-10-05.

Conditions:
Isolated microphthalmia 5. Also called: Posterior Microphthalmia with Retinitis Pigmentosa, Foveoschisis, and Optic Disc Drusen. Identifiers: Orphanet 251279, MedGen C1970236, MONDO:0012605, OMIM 611040.

Allele frequency attached by ClinVar (database versions not stated): ExAC 0.00002; ESP Exome Variant Server 0.00015; gnomAD exomes 0.00001 and below 0.00001; gnomAD 0.00004; TOPMed 0.00005.
gnomAD v4.1: 7 of 1,613,948 alleles (0.00043%); highest among the groups gnomAD compares: African/African-American, 0.008%; no homozygotes.

Submissions (2):

Labcorp Genetics (formerly Invitae), Labcorp
Classification: Uncertain significance for Isolated microphthalmia 5. Last evaluated: 2022-10-05. Review status: criteria provided, single submitter. Criteria: Invitae Variant Classification Sherloc (09022015). Collection method: clinical testing. Allele origin: germline.
Comment: This sequence change replaces phenylalanine, which is neutral and non-polar, with serine, which is neutral and polar, at codon 199 of the MFRP protein (p.Phe199Ser). This variant is present in population databases (rs150822576, gnomAD 0.008%). This variant has not been reported in the literature in individuals affected with MFRP-related conditions. ClinVar contains an entry for this variant (Variation ID: 958861). Advanced modeling of protein sequence and biophysical properties (such as structural, functional, and spatial information, amino acid conservation, physicochemical variation, residue mobility, and thermodynamic stability) performed at Invitae indicates that this missense variant is expected to disrupt MFRP protein function. In summary, the available evidence is currently insufficient to determine the role of this variant in disease. Therefore, it has been classified as a Variant of Uncertain Significance.

Blueprint Genetics
Classification: Uncertain significance. Last evaluated: 2022-10-04. Review status: criteria provided, single submitter. Criteria: ACMG Guidelines, 2015. Collection method: clinical testing. Allele origin: germline.

NM_031433.4(MFRP):c.596T>C (p.Phe199Ser)

Genes: C1QTNF5 (C1q and TNF related 5; minus strand), MFRP (membrane frizzled-related protein; minus strand). Cytogenetic location: 11q23.3.
Variant type: single nucleotide variant.
Coding change: c.596T>C on transcript NM_031433.4 (MANE Select); coding-DNA position 596, T replaced by C.
Protein change: p.Phe199Ser; replaces phenylalanine 199 with serine.
Molecular consequence: missense variant. On other transcripts: 5 prime UTR variant (1).
Genome position (GRCh38, 1-based): chr11:119,345,465, A>G on the plus strand (T>C on the coding strand, the complement: MFRP is on the minus strand). VCF-style: chr11-119345465-A-G. GRCh37 (hg19) VCF-style: chr11-119216175-A-G.
Other names: c.-2041T>C (NM_015645.5); short protein forms F199S.
Identifiers: ClinVar variation 958861 (VCV000958861.9), dbSNP rs150822576, ClinGen allele CA6320496.